The following is an entry in ClinVar:

ClinVar aggregate classification (germline): Pathogenic. Review status: reviewed by expert panel (3 of 4 stars). 3 submissions from 3 submitters: Pathogenic (1). 2 of the submissions do not count toward it. Last evaluated 2021-12-30.

Conditions:
Maturity-onset diabetes of the young (MODY). Also called: Maturity onset diabetes mellitus in young. Identifiers: Orphanet 552, MedGen C0342276, MONDO:0018911, HP:0004904.
Maturity-onset diabetes of the young type 3. Also called: MODY type 3; MODY, type III. Identifiers: Orphanet 552, MedGen C1838100, MeSH C563933, MONDO:0010894, OMIM 600496. Disease mechanism: loss of function.
Monogenic diabetes. Identifiers: Orphanet 183625, MedGen C3888631, MONDO:0015967.

Allele frequency attached by ClinVar (database versions not stated): gnomAD exomes below 0.00001.

Submissions (3):

ClinGen Monogenic Diabetes Variant Curation Expert Panel
Classification: Pathogenic for Monogenic diabetes. Last evaluated: 2021-12-30. Review status: reviewed by expert panel. Criteria: ClinGen Diabetes ACMG Specifications v1 1. Collection method: curation. Allele origin: germline. Inheritance: Autosomal dominant inheritance.
Comment: The c.748C>T variant in the HNF1 homeobox A gene, HNF1A, results in a premature termination at codon 250 (p.(Gln250Ter)) of NM_000545.8. This variant, located in biologically-relevant exon 4 of 10, is predicted to lead to nonsense mediated decay in a gene in which loss-of-function is an established disease mechanism (PVS1; PMID: 23348805). This variant is absent from gnomAD v2.1.1 (PM2_Supporting). Additionally, this variant was identified in two individuals with a clinical history highly specific for HNF1A-MODY (MODY probability calculator result >50%, negative genetic testing for HNF4A, and response to low-dose sulfonylurea) (PP4_Moderate, internal lab contributors). Lastly, this variant was identified in unrelated individuals from four different families with non- autoimmune and non-absolute/near-absolute insulin-deficient diabetes (PS4_Moderate; PMID: 1244228, internal lab contributors). In summary, c.748C>T meets the criteria to be classified as pathogenic for monogenic diabetes. ACMG/AMP criteria applied, as specified by the ClinGen MDEP (specification version 1.1, approved 6/4/2021): PVS1, PM2_Supporting, PP4_Moderate, PS4_Moderate.

Broad Center for Mendelian Genomics, Broad Institute of MIT and Harvard
Classification: Likely pathogenic for Maturity-onset diabetes of the young type 3. Last evaluated: 2020-01-22. Review status: criteria provided, single submitter. Criteria: ACMG Guidelines, 2015. Collection method: curation. Allele origin: germline. Inheritance: Autosomal dominant inheritance. Not counted in ClinVar's aggregate classification.
Comment: The p.Gln250Ter variant in HNF1A has been reported in at least 1 individual with maturity-onset diabetes of the young (PMID: 12442280), and has been identified in 0.0009% (1/112846) of European (non-Finnish) chromosomes by the Genome Aggregation Database (gnomAD; dbSNP rs1308016430). Please note that for diseases with clinical variability, or reduced penetrance, pathogenic variants may be present at a low frequency in the general population. This nonsense variant leads to a premature termination codon at position 250, which is predicted to lead to a truncated or absent protein. Heterozygous loss of function of the HNF1A gene is an established disease mechanism in maturity-onset diabetes of the young. In summary, although additional studies are required to fully establish its clinical significance, this variant is likely pathogenic. ACMG/AMP Criteria applied: PVS1, PM2 (Richards 2015).

Clinical Genomics, Uppaluri K&H Personalized Medicine Clinic
Classification: Likely pathogenic for Maturity-onset diabetes of the young. Review status: criteria provided, single submitter. Criteria: K & H Uppaluri Personalized Medicine Clinic Variant Classification & Assertion Criteria_Updated V.1. Collection method: research. Allele origin: unknown. Inheritance: Autosomal dominant inheritance. Not counted in ClinVar's aggregate classification.
Comment: Mutations in HNF1A gene can predispose to MODY3. It is associated with both micro and macrovascular complications of diabetes, especially cardiovascular complications. Associated with glucosuria. May respond well to sulfonylureas. Sufficient evidence is found to confer the association of this particular variant rs1308016430 with MODY3.

Literature cited by the submitters: PubMed 12442280 (cited by Clinical Genomics, Uppaluri K&H Personalized Medicine Clinic).

NM_000545.8(HNF1A):c.748C>T (p.Gln250Ter)

Gene: HNF1A (HNF1 homeobox A; plus strand). Cytogenetic location: 12q24.31.
Variant type: single nucleotide variant.
Coding change: c.748C>T on transcript NM_000545.8 (MANE Select); coding-DNA position 748, C replaced by T.
Protein change: p.Gln250Ter; replaces glutamine 250 with a stop codon.
Molecular consequence: nonsense.
Genome position (GRCh38, 1-based): chr12:120,994,198, C>T. VCF-style: chr12-120994198-C-T. GRCh37 (hg19) VCF-style: chr12-121432001-C-T.
Other names: c.748C>T, p.Gln250Ter (NM_001306179.2); short protein forms Q250*.
Identifiers: ClinVar variation 972754 (VCV000972754.6), dbSNP rs1308016430, ClinGen allele CA386965917.
Genomic context (GRCh38, chr12:120,994,198, plus strand): 5'-AGGCTCATGGGTGGCTATTTCTGCAGGGCGGAATGCATCCAGAGAGGGGTGTCCCCATCA[C>T]AGGCACAGGGGCTGGGCTCCAACCTCGTCACGGAGGTGCGTGTCTACAACTGGTTTGCCA-3'